The following is an entry in ClinVar:

ClinVar aggregate classification (germline): Uncertain significance (1 of 4 stars; one submission).

gnomAD v4.1: 29 of 1,613,938 alleles (0.0018%); highest among the groups gnomAD compares: Non-Finnish European, 0.0024%; no homozygotes.

Submission:

Labcorp Genetics (formerly Invitae), Labcorp
Classification: Uncertain significance. Last evaluated: 2024-09-01. Review status: criteria provided, single submitter. Criteria: Invitae Variant Classification Sherloc (09022015). Collection method: clinical testing. Allele origin: germline.
Comment: This sequence change replaces threonine, which is neutral and polar, with isoleucine, which is neutral and non-polar, at codon 799 of the NFKB1 protein (p.Thr799Ile). This variant is present in population databases (no rsID available, gnomAD 0.0009%). This variant has not been reported in the literature in individuals affected with NFKB1-related conditions. Invitae Evidence Modeling of protein sequence and biophysical properties (such as structural, functional, and spatial information, amino acid conservation, physicochemical variation, residue mobility, and thermodynamic stability) indicates that this missense variant is not expected to disrupt NFKB1 protein function with a negative predictive value of 80%. In summary, the available evidence is currently insufficient to determine the role of this variant in disease. Therefore, it has been classified as a Variant of Uncertain Significance.

NM_003998.4(NFKB1):c.2396C>T (p.Thr799Ile)

Gene: NFKB1 (nuclear factor kappa B subunit 1; plus strand). Cytogenetic location: 4q24.
Variant type: single nucleotide variant.
Coding change: c.2396C>T on transcript NM_003998.4 (MANE Select); coding-DNA position 2396, C replaced by T.
Protein change: p.Thr799Ile; replaces threonine 799 with isoleucine.
Molecular consequence: missense variant.
Genome position (GRCh38, 1-based): chr4:102,612,087, C>T. VCF-style: chr4-102612087-C-T. GRCh37 (hg19) VCF-style: chr4-103533244-C-T.
Other names: c.2393C>T, p.Thr798Ile (NM_001165412.2, NM_001319226.2, NM_001382627.1); c.2396C>T, p.Thr799Ile (NM_001382625.1, NM_001382626.1); c.2354C>T, p.Thr785Ile (NM_001382628.1); short protein forms T798I, T785I, T799I.
Identifiers: ClinVar variation 3713787 (VCV003713787.2).